The following is an entry in ClinVar:

ClinVar aggregate classification (germline): Likely benign (0 of 4 stars; one submission).

Conditions:
PLXNA2-related disorder. Also called: PLXNA2-related condition.

gnomAD v4.1: 32 of 1,613,800 alleles (0.002%); highest among the groups gnomAD compares: African/African-American, 0.0027%; no homozygotes.

Submission:

PreventionGenetics, part of Exact Sciences
Classification: Likely benign for PLXNA2-related condition. Last evaluated: 2024-04-16. Review status: no assertion criteria provided. Collection method: clinical testing. Allele origin: germline.
Comment: This variant is classified as likely benign based on ACMG/AMP sequence variant interpretation guidelines (Richards et al. 2015 PMID: 25741868, with internal and published modifications).

NM_025179.4(PLXNA2):c.3639+8A>C

Gene: PLXNA2 (plexin A2; minus strand). Cytogenetic location: 1q32.2.
Variant type: single nucleotide variant.
Coding change: c.3639+8A>C on transcript NM_025179.4 (MANE Select); 8 bases into the intron after coding-DNA position 3639, A replaced by C.
Molecular consequence: intron variant.
Genome position (GRCh38, 1-based): chr1:208,045,059, T>G on the plus strand (A>C on the coding strand, the complement: PLXNA2 is on the minus strand). VCF-style: chr1-208045059-T-G. GRCh37 (hg19) VCF-style: chr1-208218404-T-G.
Identifiers: ClinVar variation 3349797 (VCV003349797.1).
Genomic context (GRCh38, chr1:208,045,059, plus strand): 5'-TCCTTAGGACAGATCACACATGCACCACGAGGCGGGAAGGAGGCATTACAGACGCAGGGC[T>G]CACTCACCATGACCTTGTGCTGCCCGGTGAGGTTGGGAGGCTCGCAGAGAAGCTGGGTCT-3'